The following is an entry in ClinVar:

NM_015072.5(TTLL5):c.3638A>C (p.Gln1213Pro)

Gene: TTLL5 (tubulin tyrosine ligase like 5; plus strand). Cytogenetic location: 14q24.3.
Variant type: single nucleotide variant.
Coding change: c.3638A>C on transcript NM_015072.5 (MANE Select); coding-DNA position 3638, A replaced by C.
Protein change: p.Gln1213Pro; replaces glutamine 1213 with proline.
Molecular consequence: missense variant.
Genome position (GRCh38, 1-based): chr14:75,882,800, A>C. VCF-style: chr14-75882800-A-C. GRCh37 (hg19) VCF-style: chr14-76349143-A-C.
Other names: short protein forms Q1213P.
Identifiers: ClinVar variation 837268 (VCV000837268.9), dbSNP rs1218606466, ClinGen allele CA390536978.

ClinVar aggregate classification (germline): Uncertain significance (1 of 4 stars; one submission).

Allele frequency attached by ClinVar (database versions not stated): gnomAD 0.00001; gnomAD exomes 0.00001; TOPMed 0.00001.
gnomAD v4.1: 19 of 1,614,012 alleles (0.0012%); highest among the groups gnomAD compares: African/African-American, 0.0027%; no homozygotes.

Submission:

Labcorp Genetics (formerly Invitae), Labcorp
Classification: Uncertain significance. Last evaluated: 2024-02-24. Review status: criteria provided, single submitter. Criteria: Invitae Variant Classification Sherloc (09022015). Collection method: clinical testing. Allele origin: germline.
Comment: This sequence change replaces glutamine, which is neutral and polar, with proline, which is neutral and non-polar, at codon 1213 of the TTLL5 protein (p.Gln1213Pro). This variant is present in population databases (no rsID available, gnomAD 0.004%). This variant has not been reported in the literature in individuals affected with TTLL5-related conditions. ClinVar contains an entry for this variant (Variation ID: 837268). An algorithm developed to predict the effect of missense changes on protein structure and function (PolyPhen-2) suggests that this variant is likely to be tolerated. In summary, the available evidence is currently insufficient to determine the role of this variant in disease. Therefore, it has been classified as a Variant of Uncertain Significance.